The following is an entry in ClinVar:

ClinVar aggregate classification (germline): Uncertain significance. Review status: criteria provided, multiple submitters, no conflicts (2 of 4 stars). 2 submissions from 2 submitters: Uncertain significance (2). Last evaluated 2023-06-01.

Conditions:
Hypertrophic cardiomyopathy. Also called: HYPERTROPHIC MYOCARDIOPATHY. Identifiers: Orphanet 217569, MedGen C0007194, MeSH D002312, MONDO:0005045, HP:0001639.
Cardiomyopathy (CMYO). Also called: Cardiomyopathies. Identifiers: Orphanet 167848, MedGen C0878544, MONDO:0004994, HP:0001638. Inheritance: Various modes of inheritance.

Submissions (2):

Color Diagnostics, LLC DBA Color Health
Classification: Uncertain significance for Cardiomyopathy. Last evaluated: 2023-06-01. Review status: criteria provided, single submitter. Criteria: ACMG Guidelines, 2015. Collection method: clinical testing. Allele origin: germline.
Comment: This variant causes a C to G nucleotide substitution at the +6 position of intron 5 of the TPM1 gene. To our knowledge, functional studies have not been reported for this variant. This variant has not been reported in individuals affected with TPM1-related disorders in the literature. This variant has not been identified in the general population by the Genome Aggregation Database (gnomAD). The available evidence is insufficient to determine the role of this variant in disease conclusively. Therefore, this variant is classified as a Variant of Uncertain Significance.

Labcorp Genetics (formerly Invitae), Labcorp
Classification: Uncertain significance for Hypertrophic cardiomyopathy. Last evaluated: 2018-08-30. Review status: criteria provided, single submitter. Criteria: Invitae Variant Classification Sherloc (09022015). Collection method: clinical testing. Allele origin: germline.
Comment: This sequence change falls in intron 5 of the TPM1 gene. It does not directly change the encoded amino acid sequence of the TPM1 protein, but it affects a nucleotide within the consensus splice site of the intron. This variant is not present in population databases (ExAC no frequency). This variant has not been reported in the literature in individuals with TPM1-related disease. ClinVar contains an entry for this variant (Variation ID: 238213). Nucleotide substitutions within the consensus splice site are a relatively common cause of aberrant splicing (PMID: 17576681, 9536098). Algorithms developed to predict the effect of sequence changes on RNA splicing suggest that this variant is not likely to affect RNA splicing, but this prediction has not been confirmed by published transcriptional studies. In summary, the available evidence is currently insufficient to determine the role of this variant in disease. Therefore, it has been classified as a Variant of Uncertain Significance.

Literature cited by the submitters: PubMed 17576681 (cited by Labcorp Genetics (formerly Invitae), Labcorp); PubMed 9536098 (cited by Labcorp Genetics (formerly Invitae), Labcorp).

NM_001018005.2(TPM1):c.563+6C>G

Gene: TPM1 (tropomyosin 1; plus strand). Cytogenetic location: 15q22.2.
Variant type: single nucleotide variant.
Coding change: c.563+6C>G on transcript NM_001018005.2 (MANE Select); 6 bases into the intron after coding-DNA position 563, C replaced by G.
Molecular consequence: intron variant.
Genome position (GRCh38, 1-based): chr15:63,060,945, C>G. VCF-style: chr15-63060945-C-G. GRCh37 (hg19) VCF-style: chr15-63353144-C-G.
Other names: c.689+6C>G (NM_001365778.1); c.563+6C>G (NM_001018020.2, NM_001018007.2, NM_001018006.2 and 6 more transcripts); c.455+6C>G (NM_001330351.2, NM_001330344.2, NM_001018008.2 and 5 more transcripts).
Identifiers: ClinVar variation 238213 (VCV000238213.8), dbSNP rs397516378, ClinGen allele CA10583257.